The following is an entry in ClinVar:

ClinVar aggregate classification (germline): Likely benign (1 of 4 stars; one submission).

Allele frequency attached by ClinVar (database versions not stated): 1000 Genomes Project 0.00020; 1000 Genomes Project 30x 0.00031; ExAC 0.00218; TOPMed 0.00229; gnomAD exomes 0.00231; gnomAD 0.00278; ESP Exome Variant Server 0.00300.
gnomAD v4.1: 3,776 of 1,609,548 alleles (0.23%); highest among the groups gnomAD compares: Middle Eastern, 0.33%; 14 homozygotes.

Submission:

CeGaT Center for Human Genetics Tuebingen
Classification: Likely benign. Last evaluated: 2022-07-01. Review status: criteria provided, single submitter. Criteria: CeGaT Center For Human Genetics Tuebingen Variant Classification Criteria Version 2. Collection method: clinical testing. Allele origin: germline. Affected: yes. Observed: 1 variant allele.
Comment: OR1J2: BP4, BS1

NM_054107.1(OR1J2):c.191G>T (p.Ser64Ile)

Gene: OR1J2 (olfactory receptor family 1 subfamily J member 2; plus strand). Cytogenetic location: 9q33.2.
Variant type: single nucleotide variant.
Coding change: c.191G>T on transcript NM_054107.1 (MANE Select); coding-DNA position 191, G replaced by T.
Protein change: p.Ser64Ile; replaces serine 64 with isoleucine.
Molecular consequence: missense variant.
Genome position (GRCh38, 1-based): chr9:122,510,992, G>T. VCF-style: chr9-122510992-G-T. GRCh37 (hg19) VCF-style: chr9-125273271-G-T.
Other names: short protein forms S64I.
Identifiers: ClinVar variation 2659483 (VCV002659483.24), dbSNP rs137857788, ClinGen allele CA5225464.